The following is an entry in ClinVar:

NM_000059.4(BRCA2):c.7052C>T (p.Ala2351Val)

Gene: BRCA2 (BRCA2 DNA repair associated; plus strand). Cytogenetic location: 13q13.1.
Variant type: single nucleotide variant.
Coding change: c.7052C>T on transcript NM_000059.4 (MANE Select); coding-DNA position 7052, C replaced by T.
Protein change: p.Ala2351Val; replaces alanine 2351 with valine.
Molecular consequence: missense variant.
Genome position (GRCh38, 1-based): chr13:32,354,905, C>T. VCF-style: chr13-32354905-C-T. GRCh37 (hg19) VCF-style: chr13-32929042-C-T.
Other names: short protein forms A2351V.
Identifiers: ClinVar variation 126128 (VCV000126128.17), dbSNP rs80358932, ClinGen allele CA024809.

ClinVar aggregate classification (germline): Uncertain significance. Review status: criteria provided, multiple submitters, no conflicts (2 of 4 stars). 5 submissions from 5 submitters: Uncertain significance (4). 1 of the submissions does not count toward it. Last evaluated 2025-03-24.

Conditions:
Hereditary cancer-predisposing syndrome. Also called: Tumor predisposition; Hereditary Cancer Syndrome; Neoplastic Syndromes, Hereditary; Hereditary neoplastic syndrome. Identifiers: Orphanet 140162, MedGen C0027672, MeSH D009386, MONDO:0015356.
Hereditary breast ovarian cancer syndrome. Also called: Hereditary breast and ovarian cancer; Hereditary breast and/or ovarian cancer syndrome; BRCA1- and BRCA2-Associated Hereditary Breast and Ovarian Cancer; Hereditary breast and ovarian cancer syndrome; Hereditary breast and ovarian cancer syndrome (HBOC); Breast and ovarian cancer. Identifiers: Orphanet 145, MedGen C0677776, MeSH D061325, MONDO:0003582. Disease mechanism: loss of function.
Breast-ovarian cancer, familial, susceptibility to, 2 (BROVCA2). Also called: BRCA2 Hereditary Breast and Ovarian Cancer. Identifiers: Orphanet 145, MedGen C2675520, MONDO:0012933, OMIM 612555. Disease mechanism: loss of function.
Familial cancer of breast. Also called: BREAST CANCER, FAMILIAL; Hereditary breast cancer; hereditary breast carcinoma. Identifiers: Orphanet 227535, MedGen C0346153, MONDO:0016419, OMIM 114480. Disease mechanism: loss of function.

Submissions (5):

Color Diagnostics, LLC DBA Color Health
Classification: Uncertain significance for Hereditary cancer-predisposing syndrome. Last evaluated: 2025-03-24. Review status: criteria provided, single submitter. Criteria: ACMG Guidelines, 2015. Collection method: clinical testing. Allele origin: germline.
Comment: This missense variant replaces alanine with valine at codon 2351 of the BRCA2 protein. Computational prediction suggests that this variant may not impact protein structure and function. To our knowledge, functional studies have not been reported for this variant. This variant has not been reported in individuals affected with BRCA2-related disorders in the literature. This variant has not been identified in the general population by the Genome Aggregation Database (gnomAD). The available evidence is insufficient to determine the role of this variant in disease conclusively. Therefore, this variant is classified as a Variant of Uncertain Significance.

Labcorp Genetics (formerly Invitae), Labcorp
Classification: Uncertain significance for Hereditary breast ovarian cancer syndrome. Last evaluated: 2024-04-03. Review status: criteria provided, single submitter. Criteria: Invitae Variant Classification Sherloc (09022015). Collection method: clinical testing. Allele origin: germline.
Comment: This sequence change replaces alanine, which is neutral and non-polar, with valine, which is neutral and non-polar, at codon 2351 of the BRCA2 protein (p.Ala2351Val). This variant is not present in population databases (gnomAD no frequency). This missense change has been observed in individual(s) with BRCA2-related conditions (PMID: 10923033). ClinVar contains an entry for this variant (Variation ID: 126128). Advanced modeling of protein sequence and biophysical properties (such as structural, functional, and spatial information, amino acid conservation, physicochemical variation, residue mobility, and thermodynamic stability) performed at Invitae indicates that this missense variant is not expected to disrupt BRCA2 protein function with a negative predictive value of 95%. In summary, the available evidence is currently insufficient to determine the role of this variant in disease. Therefore, it has been classified as a Variant of Uncertain Significance.

Baylor Genetics
Classification: Uncertain significance for Familial cancer of breast. Last evaluated: 2024-02-06. Review status: criteria provided, single submitter. Criteria: ACMG Guidelines, 2015. Collection method: clinical testing. Allele origin: unknown.

Ambry Genetics
Classification: Uncertain significance for Hereditary cancer-predisposing syndrome. Last evaluated: 2014-07-10. Review status: criteria provided, single submitter. Criteria: Ambry Variant Classification Scheme 2023. Collection method: clinical testing. Allele origin: germline.
Comment: The p.A2351V variant (also known as c.7052C>T and 7280C>T), located in coding exon 13 of the BRCA2 gene, results from a C to T substitution at nucleotide position 7052. The alanine at codon 2351 is replaced by valine, an amino acid with similar properties. This variant was previously reported in the SNPDatabase as rs80358932. This variant was not reported in population-based cohorts in the following databases: NHLBI Exome Sequencing Project (ESP) and 1000 Genomes Project. To date, this alteration has been detected with an allele frequency of approximately 0.002% (greater than 42,000 alleles tested) in our clinical cohort (includes this individual). Based on protein sequence alignment, this amino acid position is not well conserved in available vertebrate species, and valine is the reference amino acid in several species. In addition, this alteration is predicted to be tolerated by in silico analysis. Since supporting evidence is limited at this time, the clinical significance of p.A2351V remains unclear.

Breast Cancer Information Core (BIC) (BRCA2)
Classification: Uncertain significance for Breast-ovarian cancer, familial 2. Last evaluated: 2003-12-23. Review status: no assertion criteria provided. Collection method: clinical testing. Allele origin: germline. Affected: yes. Observed: 1 variant allele. Not counted in ClinVar's aggregate classification.

Literature cited by the submitters: PubMed 10923033 (cited by Labcorp Genetics (formerly Invitae), Labcorp).